The following is an entry in ClinVar:

NM_016204.4(GDF2):c.1280G>T (p.Gly427Val)

Gene: GDF2 (growth differentiation factor 2; plus strand). Cytogenetic location: 10q11.22.
Variant type: single nucleotide variant.
Coding change: c.1280G>T on transcript NM_016204.4 (MANE Select); coding-DNA position 1280, G replaced by T.
Protein change: p.Gly427Val; replaces glycine 427 with valine.
Molecular consequence: missense variant.
Genome position (GRCh38, 1-based): chr10:47,325,774, G>T. VCF-style: chr10-47325774-G-T. GRCh37 (hg19) VCF-style: chr10-48413588-C-A.
Other names: short protein forms G427V.
Identifiers: ClinVar variation 3660339 (VCV003660339.2).

ClinVar aggregate classification (germline): Uncertain significance (1 of 4 stars; one submission).

Conditions:
Telangiectasia, hereditary hemorrhagic, type 5 (HHT5). Identifiers: Orphanet 774, MedGen C3809710, MONDO:0014217, OMIM 615506.

Submission:

Labcorp Genetics (formerly Invitae), Labcorp
Classification: Uncertain significance for Telangiectasia, hereditary hemorrhagic, type 5. Last evaluated: 2024-09-25. Review status: criteria provided, single submitter. Criteria: Invitae Variant Classification Sherloc (09022015). Collection method: clinical testing. Allele origin: germline.
Comment: This sequence change replaces glycine, which is neutral and non-polar, with valine, which is neutral and non-polar, at codon 427 of the GDF2 protein (p.Gly427Val). This variant is not present in population databases (gnomAD no frequency). This variant has not been reported in the literature in individuals affected with GDF2-related conditions. An algorithm developed to predict the effect of missense changes on protein structure and function (PolyPhen-2) suggests that this variant is likely to be disruptive. Algorithms developed to predict the effect of sequence changes on RNA splicing suggest that this variant may create or strengthen a splice site. In summary, the available evidence is currently insufficient to determine the role of this variant in disease. Therefore, it has been classified as a Variant of Uncertain Significance.